The following is an entry in ClinVar:

NM_001754.5(RUNX1):c.-5_4del (p.Met1_Ala2del)

Gene: RUNX1 (RUNX family transcription factor 1; minus strand). Cytogenetic location: 21q22.12.
Variant type: Deletion.
Coding change: c.-5_4del on transcript NM_001754.5 (MANE Select); 5 bases upstream of the start codon through coding-DNA position 4, 9 bases deleted (AAGCGATGG; older notation c.-5_4delAAGCGATGG).
Protein change: p.Met1_Ala2del.
Molecular consequence: inframe deletion, initiator codon variant.
Genome position (GRCh38, 1-based): chr21:35,048,896-35,048,904, CCATCGCTT deleted on the plus strand (AAGCGATGG on the coding strand, the reverse complement: RUNX1 is on the minus strand); deleting any 9 consecutive bases within chr21:35,048,896-35,048,906 gives the same sequence; the c. name uses the placement nearest the transcript's 3' end. VCF-style (leftmost placement, unchanged base first): chr21-35048895-GCCATCGCTT-G. GRCh37 (hg19) VCF-style: chr21-36421192-GCCATCGCTT-G.
Other names: NM_001754.5(RUNX1):c.-5_4del; p.Met1_Ala2del.
Identifiers: ClinVar variation 843571 (VCV000843571.12), dbSNP rs2059419583, ClinGen allele CA916081960.
Genomic context (GRCh38, chr21:35,048,895, plus strand): 5'-TACTCACCTCTCATGAAGCACTGTGGGTACGAAGGAAATGACTCAAATATGCTGTCTGAA[GCCATCGCTT>G]CCTCCTGAAAATGCACCCTCTTCTGAAGGCGGGGGACTCAATGATTTCTTTTACCTTCGG-3'

ClinVar aggregate classification (germline): Uncertain significance. Review status: reviewed by expert panel (3 of 4 stars). 2 submissions from 2 submitters: Uncertain significance (1). 1 of the submissions does not count toward it. Last evaluated 2025-05-02.

Conditions:
Hereditary thrombocytopenia and hematological cancer predisposition syndrome associated with RUNX1. Also called: PLATELET DISORDER, ASPIRIN-LIKE; Familial Platelet Disorder with Propensity to Acute Myelogenous Leukemia; Familial thrombocytopenia with propensity to acute myelogenous leukemia; RUNX1 Familial Platelet Disorder with Associated Myeloid Malignancies. Identifiers: Orphanet 71290, MedGen C1832388, MeSH C563324, MONDO:0100083, OMIM 601399.
Hereditary thrombocytopenia and hematologic cancer predisposition syndrome. Identifiers: Orphanet 71290, MedGen CN281654, MONDO:0011071.

Submissions (2):

ClinGen Myeloid Malignancy Variant Curation Expert Panel
Classification: Uncertain significance for Hereditary thrombocytopenia and hematologic cancer predisposition syndrome. Last evaluated: 2025-05-02. Review status: reviewed by expert panel. Criteria: ClinGen MyeloMalig ACMG Specifications v2. Collection method: curation. Allele origin: germline. Inheritance: Autosomal dominant inheritance.
Comment: NM_001754.5(RUNX1):c.-5_4del (p.Met1_Ala2del) is an in-frame deletion variant which is completely absent from all population databases with at least 20x coverage for RUNX1 (PM2_supporting). This variant affects the initiator methionine but is located outside of the Runt Homology Domain (AA 89-204), and does not alter the predicted protein structure or function; therefore, PM4 does not apply. In summary, the clinical significance of this variant is uncertain. ACMG/AMP criteria applied, as specified by the Myeloid Malignancy Variant Curation Expert Panel for RUNX1: PM2_supporting.

Labcorp Genetics (formerly Invitae), Labcorp
Classification: Uncertain significance for Hereditary thrombocytopenia and hematological cancer predisposition syndrome associated with RUNX1. Last evaluated: 2019-03-28. Review status: criteria provided, single submitter. Criteria: Invitae Variant Classification Sherloc (09022015). Collection method: clinical testing. Allele origin: germline. Not counted in ClinVar's aggregate classification.
Comment: In summary, the available evidence is currently insufficient to determine the role of this variant in disease. Therefore, it has been classified as a Variant of Uncertain Significance. This variant has not been reported in the literature in individuals with RUNX1-related conditions. This variant is not present in population databases (ExAC no frequency). This sequence change affects the initiator methionine of the RUNX1 mRNA. The next in-frame methionine is located at codon 18.